The following is an entry in ClinVar:

NM_001042492.3(NF1):c.4790G>A (p.Gly1597Glu)

Gene: NF1 (neurofibromin 1; plus strand). Cytogenetic location: 17q11.2.
Variant type: single nucleotide variant.
Coding change: c.4790G>A on transcript NM_001042492.3 (MANE Select); coding-DNA position 4790, G replaced by A.
Protein change: p.Gly1597Glu; replaces glycine 1597 with glutamic acid.
Molecular consequence: missense variant.
Genome position (GRCh38, 1-based): chr17:31,265,294, G>A. VCF-style: chr17-31265294-G-A. GRCh37 (hg19) VCF-style: chr17-29592312-G-A.
Other names: c.4727G>A, p.Gly1576Glu (NM_000267.4); short protein forms G1576E, G1597E.
Identifiers: ClinVar variation 1742692 (VCV001742692.2), dbSNP rs2067766230, ClinGen allele CA399001298.

ClinVar aggregate classification (germline): Uncertain significance (1 of 4 stars; one submission).

Conditions:
Cardiovascular phenotype. Identifiers: MedGen CN230736.
Hereditary cancer-predisposing syndrome. Also called: Hereditary Cancer Syndrome; Hereditary neoplastic syndrome; Neoplastic Syndromes, Hereditary; Tumor predisposition. Identifiers: Orphanet 140162, MedGen C0027672, MeSH D009386, MONDO:0015356.

Submission:

Ambry Genetics
Classification: Uncertain significance for Cardiovascular phenotype; Hereditary cancer-predisposing syndrome. Last evaluated: 2019-10-21. Review status: criteria provided, single submitter. Criteria: Ambry Variant Classification Scheme 2023. Collection method: clinical testing. Allele origin: germline.
Comment: The p.G1576E variant (also known as c.4727G>A), located in coding exon 35 of the NF1 gene, results from a G to A substitution at nucleotide position 4727. The glycine at codon 1576 is replaced by glutamic acid, an amino acid with similar properties. This amino acid position is highly conserved in available vertebrate species. In addition, this alteration is predicted to be deleterious by in silico analysis. Since supporting evidence is limited at this time, the clinical significance of this alteration remains unclear.